The following is an entry in ClinVar:

ClinVar aggregate classification (germline): Likely benign (1 of 4 stars; one submission).

Allele frequency attached by ClinVar (database versions not stated): 1000 Genomes Project 30x 0.00219; 1000 Genomes Project 0.00260; TOPMed 0.00567; gnomAD 0.00637 and 0.00665.
gnomAD v4.1: 956 of 152,284 alleles (0.63%); highest among the groups gnomAD compares: Non-Finnish European, 1.1%; 5 homozygotes.

Submission:

GeneDx
Classification: Likely benign. Last evaluated: 2018-06-16. Review status: criteria provided, single submitter. Criteria: GeneDx Variant Classification (06012015). Collection method: clinical testing. Allele origin: germline. Affected: yes.
Comment: This variant is considered likely benign or benign based on one or more of the following criteria: it is a conservative change, it occurs at a poorly conserved position in the protein, it is predicted to be benign by multiple in silico algorithms, and/or has population frequency not consistent with disease.

NM_001130438.3(SPTAN1):c.3579+228A>G

Gene: SPTAN1 (spectrin alpha, non-erythrocytic 1; plus strand). Cytogenetic location: 9q34.11.
Variant type: single nucleotide variant.
Coding change: c.3579+228A>G on transcript NM_001130438.3 (MANE Select); 228 bases into the intron after coding-DNA position 3579, A replaced by G.
Molecular consequence: intron variant.
Genome position (GRCh38, 1-based): chr9:128,600,343, A>G. VCF-style: chr9-128600343-A-G. GRCh37 (hg19) VCF-style: chr9-131362622-A-G.
Other names: c.3579+228A>G (NM_001363759.2, NM_003127.4); c.3519+228A>G (NM_001363765.2, NM_001195532.2).
Identifiers: ClinVar variation 677389 (VCV000677389.1), dbSNP rs78117059, ClinGen allele CA200393026.
Genomic context (GRCh38, chr9:128,600,343, plus strand): 5'-AATATACAAAAGCAGAGTGTCTGTCAAATGCTCAGTACAGTTAGGTTGCATTGATTACCC[A>G]TGTTGGTGCAGGATATGCTGCAGCAGGGAGCACTGTTGTTGGCAGGGTCCCACCAGTAAG-3'